The following is an entry in ClinVar:

ClinVar aggregate classification (germline): Uncertain significance (1 of 4 stars; one submission).

Submission:

Labcorp Genetics (formerly Invitae), Labcorp
Classification: Uncertain significance. Last evaluated: 2024-03-01. Review status: criteria provided, single submitter. Criteria: Invitae Variant Classification Sherloc (09022015). Collection method: clinical testing. Allele origin: germline.
Comment: This sequence change falls in intron 4 of the ACTN1 gene. It does not directly change the encoded amino acid sequence of the ACTN1 protein. Information on the frequency of this variant in the gnomAD database is not available, as this variant may be reported differently in the database. This variant has not been reported in the literature in individuals affected with ACTN1-related conditions. Experimental studies and prediction algorithms are not available or were not evaluated, and the effect of this variant on mRNA splicing is currently unknown. In summary, the available evidence is currently insufficient to determine the role of this variant in disease. Therefore, it has been classified as a Variant of Uncertain Significance.

NM_001130004.2(ACTN1):c.427+10_427+11inv

Gene: ACTN1 (actinin alpha 1; minus strand). Cytogenetic location: 14q24.1.
Variant type: Inversion.
Coding change: c.427+10_427+11inv on transcript NM_001130004.2 (MANE Select).
Molecular consequence: intron variant.
Genome position: GRCh38 VCF-style: chr14-68912145-CA-TG. GRCh37 (hg19) VCF-style: chr14-69378862-CA-TG.
Other names: c.427+10_427+11inv (NM_001424029.1, NM_001424027.1, NM_001424025.1 and 9 more transcripts); c.-484+10_-484+11inv (NM_001424030.1); c.553+10_553+11inv (NM_001424013.1); c.364+10_364+11inv (NM_001424022.1, NM_001424020.1, NM_001424018.1); c.232+10_232+11inv (NM_001424026.1, NM_001424028.1, NM_001411036.1); c.358+10_358+11inv (NM_001424021.1); c.424+10_424+11inv (NM_001424017.1); c.514+10_514+11inv (NM_001424015.1).
Identifiers: ClinVar variation 2900674 (VCV002900674.3), ClinGen allele CA2739279127.